The following is an entry in ClinVar:

ClinVar aggregate classification (germline): Uncertain significance (1 of 4 stars; one submission).

Conditions:
Dilated cardiomyopathy 1G (CMD1G). Identifiers: Orphanet 154, MedGen C1858763, MONDO:0011400, OMIM 604145.
Autosomal recessive limb-girdle muscular dystrophy type 2J (LGMDR10). Also called: Limb-girdle muscular dystrophy, type 2J; MUSCULAR DYSTROPHY, LIMB-GIRDLE, AUTOSOMAL RECESSIVE 10. Identifiers: Orphanet 140922, MedGen C1837342, MONDO:0012127, OMIM 608807.

Submission:

Labcorp Genetics (formerly Invitae), Labcorp
Classification: Uncertain significance for Dilated cardiomyopathy 1G; Autosomal recessive limb-girdle muscular dystrophy type 2J. Last evaluated: 2024-08-26. Review status: criteria provided, single submitter. Criteria: Invitae Variant Classification Sherloc (09022015). Collection method: clinical testing. Allele origin: germline.
Comment: This sequence change replaces serine, which is neutral and polar, with threonine, which is neutral and polar, at codon 34180 of the TTN protein (p.Ser34180Thr). This variant is not present in population databases (gnomAD no frequency). This variant has not been reported in the literature in individuals affected with TTN-related conditions. Experimental studies and prediction algorithms are not available or were not evaluated, and the functional significance of this variant is currently unknown. This variant is located in the M band of TTN (PMID: 25589632). Non-truncating variants in this region may be relevant for neuromuscular disorders, but have not been definitively shown to cause cardiomyopathy (PMID: 23975875). In summary, the available evidence is currently insufficient to determine the role of this variant in disease. Therefore, it has been classified as a Variant of Uncertain Significance.

Literature cited by the submitters: PubMed 25589632; PubMed 23975875.

NM_001267550.2(TTN):c.102539G>C (p.Ser34180Thr)

Genes: TTN-AS1 (TTN antisense RNA 1; plus strand), TTN (titin; minus strand). Cytogenetic location: 2q31.2.
Variant type: single nucleotide variant.
Coding change: c.102539G>C on transcript NM_001267550.2 (MANE Select); coding-DNA position 102539, G replaced by C.
Protein change: p.Ser34180Thr; replaces serine 34180 with threonine.
Molecular consequence: missense variant.
Genome position (GRCh38, 1-based): chr2:178,534,076, C>G on the plus strand (G>C on the coding strand, the complement: TTN is on the minus strand). VCF-style: chr2-178534076-C-G. GRCh37 (hg19) VCF-style: chr2-179398803-C-G.
Other names: c.97616G>C, p.Ser32539Thr (NM_001256850.1); c.75344G>C, p.Ser25115Thr (NM_003319.4); c.94835G>C, p.Ser31612Thr (NM_133378.4); c.75719G>C, p.Ser25240Thr (NM_133432.3); c.75920G>C, p.Ser25307Thr (NM_133437.4); short protein forms S25115T, S25240T, S25307T, S31612T, S32539T, S34180T.
Identifiers: ClinVar variation 3748009 (VCV003748009.2).